The following is an entry in ClinVar:

NM_022081.6(HPS4):c.148C>T (p.Gln50Ter)

Gene: HPS4 (HPS4 biogenesis of lysosomal organelles complex 3 subunit 2; minus strand). Cytogenetic location: 22q12.1.
Variant type: single nucleotide variant.
Coding change: c.148C>T on transcript NM_022081.6 (MANE Select); coding-DNA position 148, C replaced by T.
Protein change: p.Gln50Ter; replaces glutamine 50 with a stop codon.
Molecular consequence: nonsense. On other transcripts: non-coding transcript variant (8).
Genome position (GRCh38, 1-based): chr22:26,477,121, G>A on the plus strand (C>T on the coding strand, the complement: HPS4 is on the minus strand). VCF-style: chr22-26477121-G-A. GRCh37 (hg19) VCF-style: chr22-26873087-G-A.
Other names: p.Gln50Ter; c.148C>T, p.Gln50Ter (NM_001349896.1, NM_001349898.2, NM_001349899.2 and 6 more transcripts); c.133C>T, p.Gln45Ter (NM_152841.2); c.148C>T (NM_022081.5); short protein forms Q45*, Q50*.
Identifiers: ClinVar variation 593813 (VCV000593813.9), dbSNP rs372020804, ClinGen allele CA10163802.

ClinVar aggregate classification (germline): Likely pathogenic. Review status: criteria provided, multiple submitters, no conflicts (2 of 4 stars). 2 submissions from 2 submitters: Likely pathogenic (2). Last evaluated 2021-03-21.

Conditions:
Hermansky-Pudlak syndrome 4 (HPS4). Identifiers: Orphanet 231500, Orphanet 79430, MedGen C3484357, MONDO:0013556, OMIM 614073.

Allele frequency attached by ClinVar (database versions not stated): gnomAD exomes below 0.00001; ExAC 0.00002; ESP Exome Variant Server 0.00008.
gnomAD v4.1: 2 of 1,614,182 alleles (0.00012%); highest among the groups gnomAD compares: Non-Finnish European, 0.00017%; no homozygotes.

Submissions (2):

Breakthrough Genomics
Classification: Likely pathogenic for Hermansky-Pudlak syndrome 4. Last evaluated: 2021-03-21. Review status: criteria provided, single submitter. Criteria: ACMG Guidelines, 2015. Collection method: clinical testing. Allele origin: germline. Affected: yes.
Comment: This variant is predicted to cause a premature termination of the protein and the resultant protein is likely to lack the C-terminal region of the protein [UniProt]; this will likely result in loss-of-function. Due to the introduction of a premature stop codon, this aberrant transcript will likely be targeted by the nonsense-mediated mRNA decay (NMD) mechanism [PMID: 15040442]. The variant has not been previously reported in patients with HPS4 gene related disorders.

Eurofins Ntd Llc (ga)
Classification: Likely pathogenic. Last evaluated: 2017-08-24. Review status: criteria provided, single submitter. Criteria: EGL Classification Definitions 2015. Collection method: clinical testing. Allele origin: germline. Observed: 1 variant allele, 1 heterozygote.